The following is an entry in ClinVar:

ClinVar aggregate classification (germline): Pathogenic (1 of 4 stars; one submission).

Conditions:
Hereditary factor XI deficiency disease. Also called: PLASMA THROMBOPLASTIN ANTECEDENT DEFICIENCY; PTA DEFICIENCY; ROSENTHAL SYNDROME; Congenital factor XI deficiency. Identifiers: Orphanet 329, MedGen C0015523, MeSH D005173, MONDO:0012897, OMIM 612416.

Submission:

Myriad Genetics, Inc.
Classification: Pathogenic for Hereditary factor XI deficiency disease. Last evaluated: 2024-05-14. Review status: criteria provided, single submitter. Criteria: Myriad Autosomal Dominant, Autosomal Recessive and X-Linked Classification Criteria (2023). Collection method: clinical testing. Allele origin: unknown.
Comment: NM_000128.3(F11):c.919delG(D307Ifs*42) is expected to be pathogenic in the context of factor XI deficiency. This variant is predicted to lead to an abnormal or absent protein product due to the creation of a premature termination codon in F11, a gene where loss-of-function variants are known to be pathogenic. Please note: this variant was assessed in the context of healthy population screening.

NM_000128.4(F11):c.919del (p.Asp307fs)

Gene: F11 (coagulation factor XI; plus strand). Cytogenetic location: 4q35.2.
Variant type: Deletion.
Coding change: c.919del on transcript NM_000128.4 (MANE Select); coding-DNA position 919, one base deleted (G; older notation c.919delG).
Protein change: p.Asp307fs; shifts the reading frame from aspartic acid 307.
Molecular consequence: frameshift variant.
Genome position (GRCh38, 1-based): chr4:186,280,276, G deleted; the last of 2 consecutive G bases (chr4:186,280,275-186,280,276); deleting either gives the same sequence. VCF-style (leftmost placement, unchanged base first): chr4-186280274-TG-T. GRCh37 (hg19) VCF-style: chr4-187201428-TG-T.
Other names: c.871del, p.Asp291fs (NM_001440590.1, NM_001440596.1); c.919del, p.Asp307fs (NM_001440593.1); c.649del, p.Asp217fs (NM_001440605.1, NM_001440607.1); c.601del, p.Asp201fs (NM_001440606.1, NM_001440608.1); short protein forms D201fs, D217fs, D291fs, D307fs.
Identifiers: ClinVar variation 5015041 (VCV005015041.1).